The following is an entry in ClinVar:

ClinVar aggregate classification (germline): Likely benign (1 of 4 stars; one submission).

Conditions:
DYNC2I1-related disorder. Also called: DYNC2I1-related condition.

Submission:

PreventionGenetics, part of Exact Sciences
Classification: Likely benign for DYNC2I1-related condition. Last evaluated: 2026-04-14. Review status: criteria provided, single submitter. Criteria: ACMG Guidelines, 2015. Collection method: clinical testing. Allele origin: germline.
Comment: This variant is classified as likely benign based on ACMG/AMP sequence variant interpretation guidelines (Richards et al. 2015 PMID: 25741868, with internal and published modifications).

NM_018051.5(DYNC2I1):c.2832G>T (p.Pro944=)

Gene: DYNC2I1 (dynein 2 intermediate chain 1; plus strand). Cytogenetic location: 7q36.3.
Variant type: single nucleotide variant.
Coding change: c.2832G>T on transcript NM_018051.5 (MANE Select); coding-DNA position 2832, G replaced by T.
Protein change: p.Pro944=; no amino-acid change (proline 944 retained).
Molecular consequence: synonymous variant.
Genome position (GRCh38, 1-based): chr7:158,941,978, G>T. VCF-style: chr7-158941978-G-T. GRCh37 (hg19) VCF-style: chr7-158734669-G-T.
Other names: c.2694G>T, p.Pro898= (NM_001350914.2); c.2259G>T, p.Pro753= (NM_001350915.2); c.1371G>T, p.Pro457= (NM_001350916.2); c.1584G>T, p.Pro528= (NM_001350917.2, NM_001350918.2).
Identifiers: ClinVar variation 4988984 (VCV004988984.1).